The following is an entry in ClinVar:

ClinVar aggregate classification (germline): Benign. Review status: criteria provided, multiple submitters, no conflicts (2 of 4 stars). 3 submissions from 2 submitters: Benign (3). Last evaluated 2018-01-13.

Conditions:
Nephropathic cystinosis (CTNS). Also called: CYSTINOSIN, DEFECT OF; LYSOSOMAL CYSTINE TRANSPORT PROTEIN, DEFECT OF; Abderhalden Lignac Kaufmann disease; Abderhalden-Kaufmann-Lignac syndrome. Identifiers: Orphanet 213, Orphanet 411629, MedGen C2931187, MONDO:0100151, OMIM 219800.
Ocular cystinosis. Also called: Non-Nephropathic (Ocular) Cystinosis; Non-Nephropathic Cystinosis. Identifiers: Orphanet 213, Orphanet 411641, MedGen C2931013, MONDO:0009064, OMIM 219750.

Allele frequency attached by ClinVar (database versions not stated): TOPMed 0.18222; gnomAD 0.18705 and 0.18980; 1000 Genomes Project 0.18710; 1000 Genomes Project 30x 0.18848; gnomAD exomes 0.19643.

Submissions (3):

Illumina Laboratory Services, Illumina
Classification: Benign for Nephropathic cystinosis. Last evaluated: 2018-01-13. Review status: criteria provided, single submitter. Criteria: ICSL Variant Classification Criteria 13 December 2019. Collection method: clinical testing. Allele origin: germline.
Comment: This variant was observed in the ICSL laboratory as part of a predisposition screen in an ostensibly healthy population. It had not been previously curated by ICSL or reported in the Human Gene Mutation Database (HGMD: prior to June 1st, 2018), and was therefore a candidate for classification through an automated scoring system. Utilizing variant allele frequency, disease prevalence and penetrance estimates, and inheritance mode, an automated score was calculated to assess if this variant is too frequent to cause the disease. Based on the score and internal cut-off values, a variant classified as benign is not then subjected to further curation. The score for this variant resulted in a classification of benign for this disease.

Illumina Laboratory Services, Illumina
Classification: Benign for Ocular cystinosis. Last evaluated: 2018-01-13. Review status: criteria provided, single submitter. Criteria: ICSL Variant Classification Criteria 13 December 2019. Collection method: clinical testing. Allele origin: germline.
Comment: the same text as in the submission from Illumina Laboratory Services, Illumina above.

Breakthrough Genomics
Classification: Benign. Review status: criteria provided, single submitter. Criteria: ACMG Guidelines, 2015. Collection method: not provided. Allele origin: germline. Inheritance: Autosomal recessive inheritance. Affected: yes.

NM_004937.3(CTNS):c.*1152A>G

Gene: CTNS (cystinosin, lysosomal cystine transporter; plus strand). Cytogenetic location: 17p13.2.
Variant type: single nucleotide variant.
Coding change: c.*1152A>G on transcript NM_004937.3 (MANE Select); 1152 bases downstream of the stop codon, A replaced by G.
Molecular consequence: 3 prime UTR variant.
Genome position (GRCh38, 1-based): chr17:3,661,521, A>G. VCF-style: chr17-3661521-A-G. GRCh37 (hg19) VCF-style: chr17-3564815-A-G.
Other names: c.*787A>G (NM_001031681.3, NM_001374492.1); c.*1152A>G (NM_001374493.1, NM_001374494.1, NM_001374495.1 and 1 more transcripts).
Identifiers: ClinVar variation 322881 (VCV000322881.6), dbSNP rs2235104, ClinGen allele CA10645483.